The following is an entry in ClinVar:

NM_015175.3(NBEAL2):c.6560+4_6560+20dup

Gene: NBEAL2 (neurobeachin like 2; plus strand). Cytogenetic location: 3p21.31.
Variant type: Duplication.
Coding change: c.6560+4_6560+20dup on transcript NM_015175.3 (MANE Select); bases 4 to 20 of the intron after coding-DNA position 6560, 17 bases duplicated (CGGCCCAGGGGCTGGTG).
Molecular consequence: splice donor variant.
Genome position (GRCh38, 1-based): chr3:47,005,325-47,005,341, CGGCCCAGGGGCTGGTG duplicated; duplicating any 17 consecutive bases within chr3:47,005,321-47,005,341 gives the same sequence; the c. name uses the placement nearest the transcript's 3' end. VCF-style (leftmost placement, unchanged base first): chr3-47005320-C-CGGTGCGGCCCAGGGGCT. GRCh37 (hg19) VCF-style: chr3-47046810-C-CGGTGCGGCCCAGGGGCT.
Other names: c.6458+4_6458+20dup (NM_001365116.2).
Identifiers: ClinVar variation 3388512 (VCV003388512.16).
Genomic context (GRCh38, chr3:47,005,320, plus strand): 5'-ATGCACTACCTCATCCGCGTGGAGCCCTTCACCTCCCTGCACGTCCAGCTGCAAAGTGGC[C>CGGTGCGGCCCAGGGGCT]GGTGCGGCCCAGGGGCTGGTGGGCAGACTAGGGGGCAGATAAGGGGAGGAGGCTGGTCCT-3'

ClinVar aggregate classification (germline): Benign. Review status: criteria provided, multiple submitters, no conflicts (2 of 4 stars). 3 submissions from 3 submitters: Benign (3). Last evaluated 2025-10-13.

Submissions (3):

Labcorp Genetics (formerly Invitae), Labcorp
Classification: Benign. Last evaluated: 2025-10-13. Review status: criteria provided, single submitter. Criteria: Invitae Variant Classification Sherloc (09022015). Collection method: clinical testing. Allele origin: germline.

Blueprint Genetics
Classification: Benign. Last evaluated: 2024-10-24. Review status: criteria provided, single submitter. Criteria: ACMG Guidelines, 2015. Collection method: clinical testing. Allele origin: germline.

CeGaT Center for Human Genetics Tuebingen
Classification: Benign. Last evaluated: 2024-10-01. Review status: criteria provided, single submitter. Criteria: CeGaT Center For Human Genetics Tuebingen Variant Classification Criteria Version 2. Collection method: clinical testing. Allele origin: germline. Affected: yes. Observed: 1 variant allele.
Comment: NBEAL2: BS1, BS2